The following is an entry in ClinVar:

ClinVar aggregate classification (germline): Likely pathogenic (1 of 4 stars; one submission).

Conditions:
Episodic ataxia type 2 (EA2). Also called: ACETAZOLAMIDE-RESPONSIVE HEREDITARY PAROXYSMAL CEREBELLAR ATAXIA; ATAXIA, EPISODIC, WITH NYSTAGMUS; ATAXIA, FAMILIAL PAROXYSMAL; CEREBELLAR ATAXIA, PAROXYSMAL, ACETAZOLAMIDE-RESPONSIVE; CEREBELLOPATHY, HEREDITARY PAROXYSMAL; EPISODIC ATAXIA, NYSTAGMUS-ASSOCIATED. Identifiers: Orphanet 97, MedGen C1720416, MONDO:0007163, OMIM 108500.

Submission:

MVZ Medizinische Genetik Mainz
Classification: Likely pathogenic for Episodic ataxia type 2. Last evaluated: 2023-10-19. Review status: criteria provided, single submitter. Criteria: UK Practice Guidelines For Variant Classification V4 01 2020. Collection method: clinical testing. Allele origin: germline. Inheritance: Autosomal dominant inheritance. Affected: yes. Observed: 1 variant allele.
Comment: ACMG Criteria: PVS1,PM2_SUP

NM_001127222.2(CACNA1A):c.5089dup (p.Leu1697fs)

Gene: CACNA1A (calcium voltage-gated channel subunit alpha1 A; minus strand). Cytogenetic location: 19p13.13.
Variant type: Duplication.
Coding change: c.5089dup on transcript NM_001127222.2 (MANE Select); coding-DNA position 5089, one base duplicated (C; older notation c.5089dupC).
Protein change: p.Leu1697fs; shifts the reading frame from leucine 1697.
Molecular consequence: frameshift variant.
Genome position (GRCh38, 1-based): chr19:13,235,253, G duplicated on the plus strand (C on the coding strand, the reverse complement: CACNA1A is on the minus strand). VCF-style (leftmost placement, unchanged base first): chr19-13235252-A-AG. GRCh37 (hg19) VCF-style: chr19-13346066-A-AG.
Other names: c.5107dup, p.Leu1703fs (NM_000068.4, NM_023035.3); c.5092dup, p.Leu1698fs (NM_001127221.2); c.5098dup, p.Leu1700fs (NM_001174080.2); short protein forms L1697fs, L1698fs, L1700fs, L1703fs.
Identifiers: ClinVar variation 3236096 (VCV003236096.1), dbSNP rs2512645777, ClinGen allele CA2825002747.